The following is an entry in ClinVar:

ClinVar aggregate classification (germline): Uncertain significance (1 of 4 stars; one submission).

Conditions:
Glycogen storage disease type III (GSD3). Also called: FORBES DISEASE; Cori disease. Identifiers: Orphanet 366, MedGen C0017922, MONDO:0009291, OMIM 232400.

gnomAD v4.1: 1 of 1,613,346 alleles (0.000062%); highest among the groups gnomAD compares: Non-Finnish European, 0.000085%; no homozygotes.

Submission:

Labcorp Genetics (formerly Invitae), Labcorp
Classification: Uncertain significance for Glycogen storage disease type III. Last evaluated: 2022-04-14. Review status: criteria provided, single submitter. Criteria: Invitae Variant Classification Sherloc (09022015). Collection method: clinical testing. Allele origin: germline.
Comment: In summary, the available evidence is currently insufficient to determine the role of this variant in disease. Therefore, it has been classified as a Variant of Uncertain Significance. Algorithms developed to predict the effect of missense changes on protein structure and function are either unavailable or do not agree on the potential impact of this missense change (SIFT: "Tolerated"; PolyPhen-2: "Probably Damaging"; Align-GVGD: "Class C0"). This variant has not been reported in the literature in individuals affected with AGL-related conditions. This variant is not present in population databases (gnomAD no frequency). This sequence change replaces isoleucine, which is neutral and non-polar, with valine, which is neutral and non-polar, at codon 1204 of the AGL protein (p.Ile1204Val).

NM_000642.3(AGL):c.3610A>G (p.Ile1204Val)

Gene: AGL (amylo-alpha-1,6-glucosidase and 4-alpha-glucanotransferase; plus strand). Cytogenetic location: 1p21.2.
Variant type: single nucleotide variant.
Coding change: c.3610A>G on transcript NM_000642.3 (MANE Select); coding-DNA position 3610, A replaced by G.
Protein change: p.Ile1204Val; replaces isoleucine 1204 with valine.
Molecular consequence: missense variant.
Genome position (GRCh38, 1-based): chr1:99,902,704, A>G. VCF-style: chr1-99902704-A-G. GRCh37 (hg19) VCF-style: chr1-100368260-A-G.
Other names: c.3610A>G, p.Ile1204Val (NM_000028.3, NM_000643.3, NM_000644.3 and 1 more transcripts); c.3562A>G, p.Ile1188Val (NM_000646.3); c.3589A>G, p.Ile1197Val (NM_001425326.1); c.3409A>G, p.Ile1137Val (NM_001425327.1); c.3406A>G, p.Ile1136Val (NM_001425328.1); c.3271A>G, p.Ile1091Val (NM_001425329.1); c.3232A>G, p.Ile1078Val (NM_001425332.1); short protein forms I1204V, I1188V, I1078V, I1091V, I1136V, I1137V, I1197V.
Identifiers: ClinVar variation 2121873 (VCV002121873.4), dbSNP rs2523734497, ClinGen allele CA341334375.
Genomic context (GRCh38, chr1:99,902,704, plus strand): 5'-AATTTCTAACAGAGGTAACACCCATTATGTCTCAAACAGGATCAGCCATTGTTTGAAGTC[A>G]TACAGGAAGCAATGCAAAAACACATGCAGGGCATACAGTTCCGAGAAAGGAATGCTGGTC-3'
Protein context (NP_000633.2, residues 1194-1214): GTLDQPLFEV[Ile1204Val]QEAMQKHMQG